The following is an entry in ClinVar:

ClinVar aggregate classification (germline): Likely benign (1 of 4 stars; one submission).

Conditions:
SCAPER-related disorder. Also called: SCAPER-related condition.

gnomAD v4.1: 20 of 1,611,046 alleles (0.0012%); highest among the groups gnomAD compares: African/African-American, 0.0027%; no homozygotes.

Submission:

PreventionGenetics, part of Exact Sciences
Classification: Likely benign for SCAPER-related condition. Last evaluated: 2026-06-22. Review status: criteria provided, single submitter. Criteria: ACMG Guidelines, 2015. Collection method: clinical testing. Allele origin: germline.
Comment: This variant is classified as likely benign based on ACMG/AMP sequence variant interpretation guidelines (Richards et al. 2015 PMID: 25741868, with internal and published modifications).

NM_020843.4(SCAPER):c.2790T>C (p.Ser930=)

Gene: SCAPER (S-phase cyclin A associated protein in the ER; minus strand). Cytogenetic location: 15q24.3.
Variant type: single nucleotide variant.
Coding change: c.2790T>C on transcript NM_020843.4 (MANE Select); coding-DNA position 2790, T replaced by C.
Protein change: p.Ser930=; no amino-acid change (serine 930 retained).
Molecular consequence: synonymous variant. On other transcripts: non-coding transcript variant (1).
Genome position (GRCh38, 1-based): chr15:76,574,206, A>G on the plus strand (T>C on the coding strand, the complement: SCAPER is on the minus strand). VCF-style: chr15-76574206-A-G. GRCh37 (hg19) VCF-style: chr15-76866547-A-G.
Other names: c.2052T>C, p.Ser684= (NM_001145923.2); c.2808T>C, p.Ser936= (NM_001353009.2); c.2388T>C, p.Ser796= (NM_001353010.2, NM_001353012.2); c.2406T>C, p.Ser802= (NM_001353011.2).
Identifiers: ClinVar variation 4982849 (VCV004982849.1).